The following is an entry in ClinVar:

ClinVar aggregate classification (germline): Benign/Likely benign. Review status: criteria provided, multiple submitters, no conflicts (2 of 4 stars). 4 submissions from 4 submitters: Benign (2); Likely benign (1). 1 of the submissions does not count toward it. Last evaluated 2026-01-15.

Conditions:
LRRK1-related disorder. Also called: LRRK1-related condition.

Allele frequency attached by ClinVar (database versions not stated): gnomAD exomes 0.00115; ExAC 0.00142; 1000 Genomes Project 0.00379; 1000 Genomes Project 30x 0.00406; gnomAD 0.00485 and 0.00529; ESP Exome Variant Server 0.00523; TOPMed 0.00547.
gnomAD v4.1: 1,375 of 1,613,796 alleles (0.085%); highest among the groups gnomAD compares: African/African-American, 1.6%; 11 homozygotes.

Submissions (4):

Labcorp Genetics (formerly Invitae), Labcorp
Classification: Benign. Last evaluated: 2026-01-15. Review status: criteria provided, single submitter. Criteria: Invitae Variant Classification Sherloc (09022015). Collection method: clinical testing. Allele origin: germline.

Blueprint Genetics
Classification: Likely benign. Last evaluated: 2024-10-16. Review status: criteria provided, single submitter. Criteria: ACMG Guidelines, 2015. Collection method: clinical testing. Allele origin: germline.

Breakthrough Genomics
Classification: Benign. Review status: criteria provided, single submitter. Criteria: ACMG Guidelines, 2015. Collection method: not provided. Allele origin: germline. Inheritance: Autosomal recessive inheritance. Affected: yes.

PreventionGenetics, part of Exact Sciences
Classification: Benign for LRRK1-related condition. Last evaluated: 2019-08-20. Review status: no assertion criteria provided. Collection method: clinical testing. Allele origin: germline. Not counted in ClinVar's aggregate classification.
Comment: This variant is classified as benign based on ACMG/AMP sequence variant interpretation guidelines (Richards et al. 2015 PMID: 25741868, with internal and published modifications).

NM_024652.6(LRRK1):c.3453A>C (p.Thr1151=)

Genes: LRRK1 (leucine rich repeat kinase 1; plus strand), LRRK1-AS1 (LRRK1 antisense RNA 1; minus strand). Cytogenetic location: 15q26.3.
Variant type: single nucleotide variant.
Coding change: c.3453A>C on transcript NM_024652.6 (MANE Select); coding-DNA position 3453, A replaced by C.
Protein change: p.Thr1151=; no amino-acid change (threonine 1151 retained).
Molecular consequence: synonymous variant.
Genome position (GRCh38, 1-based): chr15:101,051,724, A>C. VCF-style: chr15-101051724-A-C. GRCh37 (hg19) VCF-style: chr15-101591929-A-C.
Other names: c.3453A>C (NM_024652.5).
Identifiers: ClinVar variation 1617082 (VCV001617082.12), dbSNP rs200982447, ClinGen allele CA7761538.
Genomic context (GRCh38, chr15:101,051,724, plus strand): 5'-CTGCACCACCTTCTTGTGAAGCTGTCTCCTGCTCTGTCCTTATTTAGCCCTGACAGCCAC[A>C]GAGAGCGACGGGACGCCACTCATGGAGCAGTACGTGCCCTGCCCGGTCTGCGAGACAGCC-3'
Protein context (NP_078928.3, residues 1141-1161): IDQWFPALTA[Thr1151=]ESDGTPLMEQ